The following is an entry in ClinVar:

NM_001041.4(SI):c.4528A>T (p.Lys1510Ter)

Gene: SI (sucrase-isomaltase; minus strand). Cytogenetic location: 3q26.1.
Variant type: single nucleotide variant.
Coding change: c.4528A>T on transcript NM_001041.4 (MANE Select); coding-DNA position 4528, A replaced by T.
Protein change: p.Lys1510Ter; replaces lysine 1510 with a stop codon.
Molecular consequence: nonsense.
Genome position (GRCh38, 1-based): chr3:164,998,552, T>A on the plus strand (A>T on the coding strand, the complement: SI is on the minus strand). VCF-style: chr3-164998552-T-A. GRCh37 (hg19) VCF-style: chr3-164716340-T-A.
Other names: short protein forms K1510*.
Identifiers: ClinVar variation 2032698 (VCV002032698.4), dbSNP rs2473218529, ClinGen allele CA355030667.

ClinVar aggregate classification (germline): Pathogenic (1 of 4 stars; one submission).

Submission:

Labcorp Genetics (formerly Invitae), Labcorp
Classification: Pathogenic. Last evaluated: 2023-01-19. Review status: criteria provided, single submitter. Criteria: Invitae Variant Classification Sherloc (09022015). Collection method: clinical testing. Allele origin: germline.
Comment: This sequence change creates a premature translational stop signal (p.Lys1510*) in the SI gene. It is expected to result in an absent or disrupted protein product. Loss-of-function variants in SI are known to be pathogenic (PMID: 16329100, 23103650, 25452324). For these reasons, this variant has been classified as Pathogenic. This variant has not been reported in the literature in individuals affected with SI-related conditions. This variant is not present in population databases (gnomAD no frequency).

Literature cited by the submitters: PubMed 16329100; PubMed 23103650; PubMed 25452324.